The following is an entry in ClinVar:

NM_000132.4(F8):c.1443+6T>G

Gene: F8 (coagulation factor VIII; minus strand). Cytogenetic location: Xq28.
Variant type: single nucleotide variant.
Coding change: c.1443+6T>G on transcript NM_000132.4 (MANE Select); 6 bases into the intron after coding-DNA position 1443, T replaced by G.
Molecular consequence: intron variant.
Genome position (GRCh38, 1-based): chrX:154,965,964, A>C on the plus strand (T>G on the coding strand, the complement: F8 is on the minus strand). VCF-style: chrX-154965964-A-C. GRCh37 (hg19) VCF-style: chrX-154194239-A-C.
Identifiers: ClinVar variation 3907358 (VCV003907358.2).
Genomic context (GRCh38, chrX:154,965,964, plus strand): 5'-TTTAGAAACTCAAAACTCTCCAGACTTTTTCTTCTTACCTGACCTTAAATCTTTTCTTCA[A>C]CTTACCAACAGTGTGTCTCCAACTTCCCCATAAAGTAAAGGTCCCAAGATTCCTGATTCA-3'

ClinVar aggregate classification (germline): Uncertain significance. Review status: criteria provided, multiple submitters, no conflicts (2 of 4 stars). 2 submissions from 2 submitters: Uncertain significance (2). Last evaluated 2025-10-03.

Submissions (2):

GeneDx
Classification: Uncertain significance. Last evaluated: 2025-10-03. Review status: criteria provided, single submitter. Criteria: GeneDx Variant Classification Process June 2021. Collection method: clinical testing. Allele origin: germline. Affected: yes.
Comment: Not observed at significant frequency in large population cohorts (gnomAD); In silico analysis supports a deleterious effect on splicing; Has not been previously published as pathogenic or benign to our knowledge

Women's Health and Genetics/Laboratory Corporation of America, LabCorp
Classification: Uncertain significance. Last evaluated: 2025-06-05. Review status: criteria provided, single submitter. Criteria: LabCorp Variant Classification Summary - May 2015. Collection method: clinical testing. Allele origin: germline.
Comment: Variant summary: F8 c.1443+6T>G alters a non-conserved nucleotide located close to a canonical splice site and therefore could affect mRNA splicing, leading to a significantly altered protein sequence. Several computational tools predict a significant impact on normal splicing: One predicts the variant weakens a 5' donor site. Two predict the variant creates a 5' donor site. However, these predictions have yet to be confirmed by functional studies. The variant was absent in 182799 control chromosomes. The available data on variant occurrences in the general population are insufficient to allow any conclusion about variant significance. To our knowledge, no occurrence of c.1443+6T>G in individuals affected with Factor VIII Deficiency (Hemophilia A) and no experimental evidence demonstrating its impact on protein function have been reported. No submitters have cited clinical-significance assessments for this variant to ClinVar. Based on the evidence outlined above, the variant was classified as uncertain significance.